The following is an entry in ClinVar:

ClinVar aggregate classification (germline): Uncertain significance (1 of 4 stars; one submission).

Conditions:
Cardiovascular phenotype. Identifiers: MedGen CN230736.

Submission:

Ambry Genetics
Classification: Uncertain significance for Cardiovascular phenotype. Last evaluated: 2025-05-30. Review status: criteria provided, single submitter. Criteria: Ambry Variant Classification Scheme 2023. Collection method: clinical testing. Allele origin: germline.
Comment: The p.A368E variant (also known as c.1103C>A), located in coding exon 6 of the DES gene, results from a C to A substitution at nucleotide position 1103. The alanine at codon 368 is replaced by glutamic acid, an amino acid with dissimilar properties. This amino acid position is conserved. In addition, the in silico prediction for this alteration is inconclusive. Based on the available evidence, the clinical significance of this variant remains unclear.

NM_001927.4(DES):c.1103C>A (p.Ala368Glu)

Gene: DES (desmin; plus strand). Cytogenetic location: 2q35.
Variant type: single nucleotide variant.
Coding change: c.1103C>A on transcript NM_001927.4 (MANE Select); coding-DNA position 1103, C replaced by A.
Protein change: p.Ala368Glu; replaces alanine 368 with glutamic acid.
Molecular consequence: missense variant. On other transcripts: intron variant (1).
Genome position (GRCh38, 1-based): chr2:219,421,419, C>A. VCF-style: chr2-219421419-C-A. GRCh37 (hg19) VCF-style: chr2-220286141-C-A.
Other names: c.1100C>A, p.Ala367Glu (NM_001382708.1); c.1034C>A, p.Ala345Glu (NM_001382710.1); c.1082C>A, p.Ala361Glu (NM_001382711.1); c.1103C>A, p.Ala368Glu (NM_001382712.1); c.833C>A, p.Ala278Glu (NM_001382713.1); c.736-65C>A (NM_001382709.1); short protein forms A368E, A367E, A278E, A345E, A361E.
Identifiers: ClinVar variation 4011017 (VCV004011017.1).